The following is an entry in ClinVar:

NM_005618.4(DLL1):c.437G>T (p.Arg146Leu)

Gene: DLL1 (delta like canonical Notch ligand 1; minus strand). Cytogenetic location: 6q27.
Variant type: single nucleotide variant.
Coding change: c.437G>T on transcript NM_005618.4 (MANE Select); coding-DNA position 437, G replaced by T.
Protein change: p.Arg146Leu; replaces arginine 146 with leucine.
Molecular consequence: missense variant.
Genome position (GRCh38, 1-based): chr6:170,288,472, C>A on the plus strand (G>T on the coding strand, the complement: DLL1 is on the minus strand). VCF-style: chr6-170288472-C-A. GRCh37 (hg19) VCF-style: chr6-170597560-C-A.
Other names: short protein forms R146L.
Identifiers: ClinVar variation 4291834 (VCV004291834.1).
Genomic context (GRCh38, chr6:170,288,472, plus strand): 5'-CTGCTGTGCAGGTCCTGGGACCACTCCTCGCCCACCGTCAGGTGCCTCTGGGTGGCCAGG[C>A]GGCTGATGAGTCTTTCTGGGTTTTCTACGGGGAGAAGATGCTCCTGGTTGGTTCTGAACG-3'
Protein context (NP_005609.3, residues 136-156): ATENPERLIS[Arg146Leu]LATQRHLTVG

ClinVar aggregate classification (germline): Uncertain significance (1 of 4 stars; one submission).

Conditions:
Neurodevelopmental disorder with nonspecific brain abnormalities and with or without seizures. Identifiers: MedGen C5231470, MONDO:0032877, OMIM 618709.

gnomAD v4.1: 1 of 1,614,074 alleles (0.000062%); highest among the groups gnomAD compares: Admixed American, 0.0017%; no homozygotes.

Submission:

3billion
Classification: Uncertain significance for Neurodevelopmental disorder with nonspecific brain abnormalities and with or without seizures. Last evaluated: 2025-02-27. Review status: criteria provided, single submitter. Criteria: ACMG Guidelines, 2015. Collection method: clinical testing. Allele origin: germline. Affected: yes.
Comment: The variant is observed at an extremely low frequency in the gnomAD v4.1.0 dataset (total allele frequency: <0.001%). Predicted Consequence/Location: Missense variant. The majority of the known disease-causing variants of this gene are variants expected to result in premature termination of the protein. In silico tool predictions suggest damaging effect of the variant on gene or gene product [REVEL: 0.72 (>=0.6, sensitivity 0.68 and specificity 0.92)]. Therefore, this variant is classified as VUS according to the recommendation of ACMG/AMP guideline.